The following is an entry in ClinVar:

NM_001365088.1(SLC12A6):c.658G>T (p.Ala220Ser)

Genes: SLC12A6 (solute carrier family 12 member 6; minus strand), LOC129390683 (MPRA-validated peak2292 silencer; plus strand). Cytogenetic location: 15q14.
Variant type: single nucleotide variant.
Coding change: c.658G>T on transcript NM_001365088.1 (MANE Select); coding-DNA position 658, G replaced by T.
Protein change: p.Ala220Ser; replaces alanine 220 with serine.
Molecular consequence: missense variant.
Genome position (GRCh38, 1-based): chr15:34,257,674, C>A on the plus strand (G>T on the coding strand, the complement: SLC12A6 is on the minus strand). VCF-style: chr15-34257674-C-A. GRCh37 (hg19) VCF-style: chr15-34549875-C-A.
Other names: c.658G>T, p.Ala220Ser (NM_133647.2); c.481G>T, p.Ala161Ser (NM_001042494.2, NM_001042495.2); c.631G>T, p.Ala211Ser (NM_001042496.2); c.613G>T, p.Ala205Ser (NM_001042497.2); c.505G>T, p.Ala169Ser (NM_005135.2); short protein forms A161S, A169S, A205S, A211S, A220S.
Identifiers: ClinVar variation 989780 (VCV000989780.2), dbSNP rs1892846270, ClinGen allele CA391612517.
Genomic context (GRCh38, chr15:34,257,674, plus strand): 5'-GATCTCTAGGAGCCAGTGCAGTACTTACACAGCAGCAGCAGATAAGGACAATTGCAAAAG[C>A]CTGAAGAACTCCAGCTGTGCCCACCACCCATGTAAGGCGTAAAAAAAGGATCACTCCAAA-3'
Protein context (NP_001352017.1, residues 210-230): WVVGTAGVLQ[Ala220Ser]FAIVLICCCC

ClinVar aggregate classification (germline): Uncertain significance. Review status: criteria provided, single submitter (1 of 4 stars). 2 submissions from 2 submitters: Uncertain significance (1). 1 of the submissions does not count toward it. Last evaluated 2026-01-13.

Conditions:
Agenesis of the corpus callosum with peripheral neuropathy (ACCPN). Also called: Hereditary Motor and Sensory Neuropathy with Agenesis of the Corpus Callosum; POLYNEUROPATHY, SENSORIMOTOR, WITH OR WITHOUT AGENESIS OF THE CORPUS CALLOSUM; HMSN/ACC; CHARLEVOIX DISEASE. Identifiers: Orphanet 1496, MedGen C0795950, MONDO:0000902, OMIM 218000. Disease mechanism: loss of function.

Allele frequency attached by ClinVar (database versions not stated): gnomAD exomes below 0.00001.
gnomAD v4.1: 1 of 1,613,696 alleles (0.000062%); highest among the groups gnomAD compares: South Asian, 0.0011%; no homozygotes.

Submissions (2):

Women's Health and Genetics/Laboratory Corporation of America, LabCorp
Classification: Uncertain significance. Last evaluated: 2026-01-13. Review status: criteria provided, single submitter. Criteria: LabCorp Variant Classification Summary - May 2015. Collection method: clinical testing. Allele origin: germline.
Comment: Variant summary: SLC12A6 c.658G>T (p.Ala220Ser) results in a conservative amino acid change in the encoded protein sequence. Algorithms developed to predict the effect of missense changes on protein structure and function are either unavailable or do not agree on the potential impact of this missense change. The variant was absent in 251142 control chromosomes. The available data on variant occurrences in the general population are insufficient to allow any conclusion about variant significance. To our knowledge, no occurrence of c.658G>T in individuals affected with SLC12A6-related conditions and no experimental evidence demonstrating its impact on protein function have been reported. ClinVar contains an entry for this variant (Variation ID: 989780). Based on the evidence outlined above, the variant was classified as uncertain significance.

Natera, Inc.
Classification: Uncertain significance for Andermann syndrome. Last evaluated: 2020-04-18. Review status: no assertion criteria provided. Collection method: clinical testing. Allele origin: germline. Not counted in ClinVar's aggregate classification.